The following is an entry in ClinVar:

NM_080647.1(TBX1):c.-4_6del (p.Met1fs)

Gene: TBX1 (T-box transcription factor 1; plus strand). Cytogenetic location: 22q11.21.
Variant type: Deletion.
Coding change: c.-4_6del on transcript NM_080647.1; 4 bases upstream of the start codon through coding-DNA position 6, 10 bases deleted (AGGGATGCAC; older notation c.-4_6delAGGGATGCAC).
Protein change: p.Met1fs; shifts the reading frame from methionine 1.
Molecular consequence: frameshift variant, initiator codon variant.
Genome position (GRCh38, 1-based): chr22:19,759,640-19,759,649, AGGGATGCAC deleted; deleting any 10 consecutive bases within chr22:19,759,639-19,759,649 gives the same sequence; the c. name uses the placement nearest the transcript's 3' end. VCF-style (leftmost placement, unchanged base first): chr22-19759638-GCAGGGATGCA-G. GRCh37 (hg19) VCF-style: chr22-19747161-GCAGGGATGCA-G.
Other names: c.-4_6del, p.Met1fs (NM_005992.1, NM_080646.2); short protein forms M1fs.
Identifiers: ClinVar variation 2028913 (VCV002028913.5), dbSNP rs2517837728, ClinGen allele CA2580099090.

ClinVar aggregate classification (germline): Uncertain significance (1 of 4 stars; one submission).

Conditions:
DiGeorge syndrome. Also called: THIRD AND FOURTH PHARYNGEAL POUCH SYNDROME; Catch22. Identifiers: Orphanet 567, MedGen C0012236, MONDO:0008564, OMIM 188400.

Submission:

Labcorp Genetics (formerly Invitae), Labcorp
Classification: Uncertain significance for DiGeorge syndrome. Last evaluated: 2026-01-05. Review status: criteria provided, single submitter. Criteria: Invitae Variant Classification Sherloc (09022015). Collection method: clinical testing. Allele origin: germline.
Comment: This sequence change affects the initiator codon of the TBX1 mRNA. This change may impact translation initiation or efficiency. The next in-frame methionine is located at codon 10. This variant is not present in population databases (gnomAD no frequency). This variant has not been reported in the literature in individuals affected with TBX1-related conditions. ClinVar contains an entry for this variant (Variation ID: 2028913). Experimental studies and prediction algorithms are not available or were not evaluated, and the functional significance of this variant is currently unknown. In summary, the available evidence is currently insufficient to determine the role of this variant in disease. Therefore, it has been classified as a Variant of Uncertain Significance.